The following is an entry in ClinVar:

NM_000452.3(SLC10A2):c.370G>C (p.Asp124His)

Gene: SLC10A2 (solute carrier family 10 member 2; minus strand). Cytogenetic location: 13q33.1.
Variant type: single nucleotide variant.
Coding change: c.370G>C on transcript NM_000452.3 (MANE Select); coding-DNA position 370, G replaced by C.
Protein change: p.Asp124His; replaces aspartic acid 124 with histidine.
Molecular consequence: missense variant.
Genome position (GRCh38, 1-based): chr13:103,065,880, C>G on the plus strand (G>C on the coding strand, the complement: SLC10A2 is on the minus strand). VCF-style: chr13-103065880-C-G. GRCh37 (hg19) VCF-style: chr13-103718230-C-G.
Other names: short protein forms D124H.
Identifiers: ClinVar variation 2629328 (VCV002629328.5), dbSNP rs762745143, ClinGen allele CA388608948.

ClinVar aggregate classification (germline): Uncertain significance. Review status: criteria provided, multiple submitters, no conflicts (2 of 4 stars). 3 submissions from 3 submitters: Uncertain significance (3). Last evaluated 2025-12-10.

Conditions:
SLC10A2-related disorder. Also called: SLC10A2-related condition.

Allele frequency attached by ClinVar (database versions not stated): gnomAD 0.00001.
gnomAD v4.1: 5 of 1,613,950 alleles (0.00031%); highest among the groups gnomAD compares: Admixed American, 0.005%; no homozygotes.

Submissions (3):

Ambry Genetics
Classification: Uncertain significance. Last evaluated: 2025-12-10. Review status: criteria provided, single submitter. Criteria: Ambry Variant Classification Scheme 2023. Collection method: clinical testing. Allele origin: germline.

Labcorp Genetics (formerly Invitae), Labcorp
Classification: Uncertain significance. Last evaluated: 2025-08-17. Review status: criteria provided, single submitter. Criteria: Invitae Variant Classification Sherloc (09022015). Collection method: clinical testing. Allele origin: germline.
Comment: This sequence change replaces aspartic acid, which is acidic and polar, with histidine, which is basic and polar, at codon 124 of the SLC10A2 protein (p.Asp124His). This variant is present in population databases (no rsID available, gnomAD 0.007%). This variant has not been reported in the literature in individuals affected with SLC10A2-related conditions. ClinVar contains an entry for this variant (Variation ID: 2629328). Invitae Evidence Modeling of protein sequence and biophysical properties (such as structural, functional, and spatial information, amino acid conservation, physicochemical variation, residue mobility, and thermodynamic stability) has been performed for this missense variant. However, the output from this modeling did not meet the statistical confidence thresholds required to predict the impact of this variant on SLC10A2 protein function. In summary, the available evidence is currently insufficient to determine the role of this variant in disease. Therefore, it has been classified as a Variant of Uncertain Significance.

PreventionGenetics, part of Exact Sciences
Classification: Uncertain significance for SLC10A2-related condition. Last evaluated: 2023-01-30. Review status: criteria provided, single submitter. Criteria: ACMG Guidelines, 2015. Collection method: clinical testing. Allele origin: germline.
Comment: The SLC10A2 c.370G>C variant is predicted to result in the amino acid substitution p.Asp124His. To our knowledge, this variant has not been reported in the literature. This variant is reported in 0.0062% of alleles in individuals of African descent in gnomAD. At this time, the clinical significance of this variant is uncertain due to the absence of conclusive functional and genetic evidence.